The following is an entry in ClinVar:

NM_001378454.1(ALMS1):c.4535C>G (p.Thr1512Arg)

Gene: ALMS1 (ALMS1 centrosome and basal body associated protein; plus strand). Cytogenetic location: 2p13.1.
Variant type: single nucleotide variant.
Coding change: c.4535C>G on transcript NM_001378454.1 (MANE Select); coding-DNA position 4535, C replaced by G.
Protein change: p.Thr1512Arg; replaces threonine 1512 with arginine.
Molecular consequence: missense variant.
Genome position (GRCh38, 1-based): chr2:73,451,062, C>G. VCF-style: chr2-73451062-C-G. GRCh37 (hg19) VCF-style: chr2-73678189-C-G.
Other names: c.4538C>G, p.Thr1513Arg (NM_015120.4); short protein forms T1512R, T1513R.
Identifiers: ClinVar variation 2076261 (VCV002076261.4), dbSNP rs2466101953, ClinGen allele CA347278741.

ClinVar aggregate classification (germline): Uncertain significance (1 of 4 stars; one submission).

Conditions:
Alstrom syndrome (ALMS). Identifiers: Orphanet 64, MedGen C0268425, MONDO:0008763, OMIM 203800.

Submission:

Labcorp Genetics (formerly Invitae), Labcorp
Classification: Uncertain significance for Alstrom syndrome. Last evaluated: 2022-08-16. Review status: criteria provided, single submitter. Criteria: Invitae Variant Classification Sherloc (09022015). Collection method: clinical testing. Allele origin: germline.
Comment: This variant has not been reported in the literature in individuals affected with ALMS1-related conditions. Experimental studies and prediction algorithms are not available or were not evaluated, and the functional significance of this variant is currently unknown. This sequence change replaces threonine, which is neutral and polar, with arginine, which is basic and polar, at codon 1513 of the ALMS1 protein (p.Thr1513Arg). This variant is not present in population databases (gnomAD no frequency). In summary, the available evidence is currently insufficient to determine the role of this variant in disease. Therefore, it has been classified as a Variant of Uncertain Significance.